The following is an entry in ClinVar:

NM_000360.4(TH):c.1330C>T (p.Leu444Phe)

Gene: TH (tyrosine hydroxylase; minus strand). Cytogenetic location: 11p15.5.
Variant type: single nucleotide variant.
Coding change: c.1330C>T on transcript NM_000360.4 (MANE Select); coding-DNA position 1330, C replaced by T.
Protein change: p.Leu444Phe; replaces leucine 444 with phenylalanine.
Molecular consequence: missense variant.
Genome position (GRCh38, 1-based): chr11:2,165,236, G>A on the plus strand (C>T on the coding strand, the complement: TH is on the minus strand). VCF-style: chr11-2165236-G-A. GRCh37 (hg19) VCF-style: chr11-2186466-G-A.
Other names: c.1423C>T, p.Leu475Phe (NM_199292.3); c.1411C>T, p.Leu471Phe (NM_199293.3); short protein forms L475F, L444F, L471F.
Identifiers: ClinVar variation 2885324 (VCV002885324.3), dbSNP rs201781467, ClinGen allele CA5818300.

ClinVar aggregate classification (germline): Uncertain significance (1 of 4 stars; one submission).

Conditions:
TH-deficient dopa-responsive dystonia. Also called: Tyrosine Hydroxylase-Deficient Dopa-Responsive Dystonia; Segawa syndrome, autosomal recessive; DYT-TH. Identifiers: Orphanet 101150, MedGen C2673535, MONDO:0011551, OMIM 605407.

Allele frequency attached by ClinVar (database versions not stated): TOPMed below 0.00001; ExAC 0.00001; gnomAD 0.00001.

Submission:

Labcorp Genetics (formerly Invitae), Labcorp
Classification: Uncertain significance for TH-deficient dopa-responsive dystonia. Last evaluated: 2024-01-04. Review status: criteria provided, single submitter. Criteria: Invitae Variant Classification Sherloc (09022015). Collection method: clinical testing. Allele origin: germline.
Comment: This sequence change replaces leucine, which is neutral and non-polar, with phenylalanine, which is neutral and non-polar, at codon 475 of the TH protein (p.Leu475Phe). This variant is present in population databases (rs201781467, gnomAD 0.01%). This variant has not been reported in the literature in individuals affected with TH-related conditions. Advanced modeling of protein sequence and biophysical properties (such as structural, functional, and spatial information, amino acid conservation, physicochemical variation, residue mobility, and thermodynamic stability) has been performed at Invitae for this missense variant, however the output from this modeling did not meet the statistical confidence thresholds required to predict the impact of this variant on TH protein function. In summary, the available evidence is currently insufficient to determine the role of this variant in disease. Therefore, it has been classified as a Variant of Uncertain Significance.